The following is an entry in ClinVar:

NM_019066.5(MAGEL2):c.653C>T (p.Pro218Leu)

Gene: MAGEL2 (MAGE family member L2; minus strand). Cytogenetic location: 15q11.2.
Variant type: single nucleotide variant.
Coding change: c.653C>T on transcript NM_019066.5 (MANE Select); coding-DNA position 653, C replaced by T.
Protein change: p.Pro218Leu; replaces proline 218 with leucine.
Molecular consequence: missense variant.
Genome position (GRCh38, 1-based): chr15:23,647,090, G>A on the plus strand (C>T on the coding strand, the complement: MAGEL2 is on the minus strand). VCF-style: chr15-23647090-G-A. GRCh37 (hg19) VCF-style: chr15-23892237-G-A.
Other names: short protein forms P218L.
Identifiers: ClinVar variation 2226701 (VCV002226701.24), dbSNP rs780666545, ClinGen allele CA391336792.

ClinVar aggregate classification (germline): Uncertain significance. Review status: criteria provided, multiple submitters, no conflicts (2 of 4 stars). 3 submissions from 3 submitters: Uncertain significance (2). 1 of the submissions does not count toward it. Last evaluated 2024-03-01.

Conditions:
MAGEL2-related disorder. Also called: MAGEL2-related condition.
Inborn genetic diseases. Identifiers: MedGen C0950123, MeSH D030342.

gnomAD v4.1: 14 of 1,533,310 alleles (0.00091%); highest among the groups gnomAD compares: African/African-American, 0.0014%; no homozygotes.

Submissions (3):

CeGaT Center for Human Genetics Tuebingen
Classification: Uncertain significance. Last evaluated: 2024-03-01. Review status: criteria provided, single submitter. Criteria: CeGaT Center For Human Genetics Tuebingen Variant Classification Criteria Version 2. Collection method: clinical testing. Allele origin: germline. Affected: yes. Observed: 1 variant allele.
Comment: MAGEL2: PM2:Supporting, BP1

Ambry Genetics
Classification: Uncertain significance for Inborn genetic diseases. Last evaluated: 2021-09-01. Review status: criteria provided, single submitter. Criteria: Ambry Variant Classification Scheme 2023. Collection method: clinical testing. Allele origin: germline.

PreventionGenetics, part of Exact Sciences
Classification: Uncertain significance for MAGEL2-related condition. Last evaluated: 2023-10-31. Review status: no assertion criteria provided. Collection method: clinical testing. Allele origin: germline. Not counted in ClinVar's aggregate classification.
Comment: The MAGEL2 c.653C>T variant is predicted to result in the amino acid substitution p.Pro218Leu. To our knowledge, this variant has not been reported in the literature. This variant is reported in 0.0018% of alleles in individuals of European (Non-Finnish) descent in gnomAD. At this time, the clinical significance of this variant is uncertain due to the absence of conclusive functional and genetic evidence.